The following is an entry in ClinVar:

NM_021930.6(RINT1):c.1220T>C (p.Leu407Ser)

Gene: RINT1 (RAD50 interactor 1; plus strand). Cytogenetic location: 7q22.3.
Variant type: single nucleotide variant.
Coding change: c.1220T>C on transcript NM_021930.6 (MANE Select); coding-DNA position 1220, T replaced by C.
Protein change: p.Leu407Ser; replaces leucine 407 with serine.
Molecular consequence: missense variant. On other transcripts: non-coding transcript variant (1).
Genome position (GRCh38, 1-based): chr7:105,550,373, T>C. VCF-style: chr7-105550373-T-C. GRCh37 (hg19) VCF-style: chr7-105190820-T-C.
Other names: c.986T>C, p.Leu329Ser (NM_001346599.2); c.197T>C, p.Leu66Ser (NM_001346600.2, NM_001346603.2); c.296T>C, p.Leu99Ser (NM_001346601.2); short protein forms L329S, L407S, L99S, L66S.
Identifiers: ClinVar variation 1753034 (VCV001753034.3), dbSNP rs1026553189, ClinGen allele CA164057607.

ClinVar aggregate classification (germline): Uncertain significance (1 of 4 stars; one submission).

Allele frequency attached by ClinVar (database versions not stated): TOPMed 0.00001.

Submission:

Ambry Genetics
Classification: Uncertain significance. Last evaluated: 2025-07-02. Review status: criteria provided, single submitter. Criteria: Ambry Variant Classification Scheme 2023. Collection method: clinical testing. Allele origin: germline.
Comment: The p.L407S variant (also known as c.1220T>C), located in coding exon 9 of the RINT1 gene, results from a T to C substitution at nucleotide position 1220. The leucine at codon 407 is replaced by serine, an amino acid with dissimilar properties. This amino acid position is conserved. In addition, this alteration is predicted to be tolerated by in silico analysis. Since supporting evidence is limited at this time, the clinical significance of this alteration remains unclear.